The following is an entry in ClinVar:

ClinVar aggregate classification (germline): Conflicting classifications of pathogenicity. Review status: criteria provided, conflicting classifications (1 of 4 stars). 5 submissions from 5 submitters: Likely pathogenic (2); Uncertain significance (3). Last evaluated 2026-06-01.

Conditions:
PHKA2-related disorder. Also called: PHKA2-related condition.
Glycogen storage disease IXa1. Also called: LIVER GLYCOGENOSIS, X-LINKED, TYPE I; GLYCOGEN STORAGE DISEASE VIII; GSD VIII; Glycogen storage disease 8. Identifiers: Orphanet 264580, MedGen C3694531, MONDO:0010598, OMIM 306000.

Submissions (5):

CeGaT Center for Human Genetics Tuebingen
Classification: Likely pathogenic. Last evaluated: 2026-06-01. Review status: criteria provided, single submitter. Criteria: CeGaT Center For Human Genetics Tuebingen Variant Classification Criteria Version 2. Collection method: clinical testing. Allele origin: germline. Affected: yes. Observed: 2 variant alleles.
Comment: PHKA2: PM2, PM5, PS4:Moderate, PP3

GeneDx
Classification: Uncertain significance. Last evaluated: 2025-01-31. Review status: criteria provided, single submitter. Criteria: GeneDx Variant Classification Process June 2021. Collection method: clinical testing. Allele origin: germline. Affected: yes.
Comment: Not observed at significant frequency in large population cohorts (gnomAD); In silico analysis supports that this missense variant has a deleterious effect on protein structure/function; This variant is associated with the following publications: (PMID: 35854365, 10330341, Li2021[paper])

Blueprint Genetics
Classification: Likely pathogenic for PHKA2-related disorders. Last evaluated: 2020-01-02. Review status: criteria provided, single submitter. Criteria: ACMG Guidelines, 2015. Collection method: clinical testing. Allele origin: germline. Affected: yes. Observed: 2 variant alleles.

Labcorp Genetics (formerly Invitae), Labcorp
Classification: Uncertain significance for Glycogen storage disease type IXa1. Last evaluated: 2018-06-25. Review status: criteria provided, single submitter. Criteria: Invitae Variant Classification Sherloc (09022015). Collection method: clinical testing. Allele origin: germline.
Comment: This sequence change replaces glutamic acid with lysine at codon 1125 of the PHKA2 protein (p.Glu1125Lys). The glutamic acid residue is highly conserved and there is a small physicochemical difference between glutamic acid and lysine. This variant is not present in population databases (ExAC no frequency). This variant has been observed in individuals affected withÂ¬â€ X-linked liver glycogenosisÂ¬â€ (PMID:Â¬â€ 10330341, Invitae). ClinVar contains an entry for this variant (Variation ID:Â¬â€ 501003). Algorithms developed to predict the effect of missense changes on protein structure and function (SIFT, PolyPhen-2, Align-GVGD) all suggest that this variant is likely to be disruptive, but these predictions have not been confirmed by published functional studies and their clinical significance is uncertain. In summary, the available evidence is currently insufficient to determine the role of this variant in disease. Therefore, it has been classified as a Variant of Uncertain Significance.

Eurofins Ntd Llc (ga)
Classification: Uncertain significance. Last evaluated: 2017-04-17. Review status: criteria provided, single submitter. Criteria: EGL Classification Definitions 2015. Collection method: clinical testing. Allele origin: germline. Observed: 1 variant allele, 1 hemizygote.

NM_000292.3(PHKA2):c.3373G>A (p.Glu1125Lys)

Genes: PHKA2 (phosphorylase kinase regulatory subunit alpha 2; minus strand), PHKA2-AS1 (PHKA2 antisense RNA 1; plus strand). Cytogenetic location: Xp22.13.
Variant type: single nucleotide variant.
Coding change: c.3373G>A on transcript NM_000292.3 (MANE Select); coding-DNA position 3373, G replaced by A.
Protein change: p.Glu1125Lys; replaces glutamic acid 1125 with lysine.
Molecular consequence: missense variant. On other transcripts: non-coding transcript variant (1).
Genome position (GRCh38, 1-based): chrX:18,894,368, C>T on the plus strand (G>A on the coding strand, the complement: PHKA2 is on the minus strand). VCF-style: chrX-18894368-C-T. GRCh37 (hg19) VCF-style: chrX-18912486-C-T.
Other names: short protein forms E1125K.
Identifiers: ClinVar variation 501003 (VCV000501003.27), dbSNP rs1555988071, ClinGen allele CA412375949.